The following is an entry in ClinVar:

NM_004239.4(TRIP11):c.2609A>T (p.Glu870Val)

Gene: TRIP11 (thyroid hormone receptor interactor 11; minus strand). Cytogenetic location: 14q32.12.
Variant type: single nucleotide variant.
Coding change: c.2609A>T on transcript NM_004239.4 (MANE Select); coding-DNA position 2609, A replaced by T.
Protein change: p.Glu870Val; replaces glutamic acid 870 with valine.
Molecular consequence: missense variant.
Genome position (GRCh38, 1-based): chr14:92,005,367, T>A on the plus strand (A>T on the coding strand, the complement: TRIP11 is on the minus strand). VCF-style: chr14-92005367-T-A. GRCh37 (hg19) VCF-style: chr14-92471711-T-A.
Other names: c.2606A>T, p.Glu869Val (NM_001321851.1); c.2609A>T (NM_004239.3); short protein forms E870V, E869V.
Identifiers: ClinVar variation 1390455 (VCV001390455.6), dbSNP rs375135703, ClinGen allele CA7313753.

ClinVar aggregate classification (germline): Uncertain significance. Review status: criteria provided, multiple submitters, no conflicts (2 of 4 stars). 3 submissions from 3 submitters: Uncertain significance (3). Last evaluated 2025-07-10.

Conditions:
Inborn genetic diseases. Identifiers: MedGen C0950123, MeSH D030342.
Achondrogenesis, type IA (ACG1A). Identifiers: Orphanet 932, Orphanet 93299, MedGen C0265273, MONDO:0008701, OMIM 200600.

Allele frequency attached by ClinVar (database versions not stated): ESP Exome Variant Server 0.00008.
gnomAD v4.1: 82 of 1,613,518 alleles (0.0051%); highest among the groups gnomAD compares: Non-Finnish European, 0.0064%; no homozygotes.

Submissions (3):

GeneDx
Classification: Uncertain significance. Last evaluated: 2025-07-10. Review status: criteria provided, single submitter. Criteria: GeneDx Variant Classification Process June 2021. Collection method: clinical testing. Allele origin: germline. Affected: yes.
Comment: Not observed at significant frequency in large population cohorts (gnomAD); In silico analysis supports that this missense variant has a deleterious effect on protein structure/function; Has not been previously published as pathogenic or benign to our knowledge

Ambry Genetics
Classification: Uncertain significance for Inborn genetic diseases. Last evaluated: 2024-08-06. Review status: criteria provided, single submitter. Criteria: Ambry Variant Classification Scheme 2023. Collection method: clinical testing. Allele origin: germline.

Labcorp Genetics (formerly Invitae), Labcorp
Classification: Uncertain significance for Achondrogenesis, type IA. Last evaluated: 2020-12-02. Review status: criteria provided, single submitter. Criteria: Invitae Variant Classification Sherloc (09022015). Collection method: clinical testing. Allele origin: germline.
Comment: In summary, the available evidence is currently insufficient to determine the role of this variant in disease. Therefore, it has been classified as a Variant of Uncertain Significance. Algorithms developed to predict the effect of missense changes on protein structure and function are either unavailable or do not agree on the potential impact of this missense change (SIFT: "Not Available"; PolyPhen-2: "Probably Damaging"; Align-GVGD: "Not Available"). This variant has not been reported in the literature in individuals with TRIP11-related conditions. This variant is present in population databases (rs375135703, ExAC 0.007%). This sequence change replaces glutamic acid with valine at codon 870 of the TRIP11 protein (p.Glu870Val). The glutamic acid residue is moderately conserved and there is a moderate physicochemical difference between glutamic acid and valine.